The following is an entry in ClinVar:

NM_000152.5(GAA):c.2154C>T (p.Val718=)

Gene: GAA (alpha glucosidase; plus strand). Cytogenetic location: 17q25.3.
Variant type: single nucleotide variant.
Coding change: c.2154C>T on transcript NM_000152.5 (MANE Select); coding-DNA position 2154, C replaced by T.
Protein change: p.Val718=; no amino-acid change (valine 718 retained).
Molecular consequence: synonymous variant.
Genome position (GRCh38, 1-based): chr17:80,113,331, C>T. VCF-style: chr17-80113331-C-T. GRCh37 (hg19) VCF-style: chr17-78087130-C-T.
Other names: c.2154C>T, p.Val718= (NM_001079803.3, NM_001079804.3); c.2154C>T (LRG_673t1).
Identifiers: ClinVar variation 456392 (VCV000456392.21), dbSNP rs1800311, ClinGen allele CA8815627.

ClinVar aggregate classification (germline): Conflicting classifications of pathogenicity. Review status: criteria provided, conflicting classifications (1 of 4 stars). 5 submissions from 5 submitters: Uncertain significance (2); Likely benign (3). Last evaluated 2026-07-01.

Conditions:
Glycogen storage disease, type II (IOPD). Also called: POMPE DISEASE, INFANTILE-ONSET; GLYCOGEN STORAGE DISEASE II, INFANTILE-ONSET; ACID ALPHA-GLUCOSIDASE DEFICIENCY, INFANTILE-ONSET; GAA DEFICIENCY, INFANTILE-ONSET; ACID MALTASE DEFICIENCY, INFANTILE-ONSET; Glucosidase acid-1,4-alpha deficiency. Identifiers: Orphanet 365, MedGen C0017921, MONDO:0009290, OMIM 232300.

Allele frequency attached by ClinVar (database versions not stated): gnomAD exomes 0.00001; TOPMed 0.00001; ExAC 0.00002; gnomAD 0.00003.

Submissions (5):

Genomenon, Inc
Classification: Likely benign for Glycogen storage disease, type II. Last evaluated: 2026-07-01. Review status: criteria provided, single submitter. Criteria: Genomenon Sequence Variant Interpretation Standards - Updated. Collection method: curation. Allele origin: germline. Affected: no.
Comment: GAA c.2154C>T is a synonymous variant that retains Valine at codon 718. This variant has been reported in the published literature (PMID:17915575). It is absent or not present at a significant frequency in gnomAD. This variant is not predicted to impact splicing. In conclusion, we classify GAA c.2154C>T (p.Val718=) as a likely benign variant.

Labcorp Genetics (formerly Invitae), Labcorp
Classification: Likely benign for Glycogen storage disease, type II. Last evaluated: 2025-09-23. Review status: criteria provided, single submitter. Criteria: Invitae Variant Classification Sherloc (09022015). Collection method: clinical testing. Allele origin: germline.

Blueprint Genetics
Classification: Likely benign. Last evaluated: 2023-03-16. Review status: criteria provided, single submitter. Criteria: ACMG Guidelines, 2015. Collection method: clinical testing. Allele origin: germline.

Genome-Nilou Lab
Classification: Uncertain significance for Glycogen storage disease, type II. Last evaluated: 2021-07-22. Review status: criteria provided, single submitter. Criteria: ACMG Guidelines, 2015. Collection method: clinical testing. Allele origin: germline. Affected: no.

Illumina Laboratory Services, Illumina
Classification: Uncertain significance for Glycogen storage disease, type II. Last evaluated: 2017-04-28. Review status: criteria provided, single submitter. Criteria: ICSL Variant Classification Criteria 13 December 2019. Collection method: clinical testing. Allele origin: germline.
Comment: This variant was observed as part of a predisposition screen in an ostensibly healthy population. A literature search was performed for the gene, cDNA change, and amino acid change (where applicable). Publications were found based on this search. However, the evidence from the literature, in combination with allele frequency data from public databases where available, was not sufficient to rule this variant in or out of causing disease. Therefore, this variant is classified as a variant of unknown significance.

Literature cited by the submitters: PubMed 17915575 (cited by Genomenon, Inc); PubMed 9529346 (cited by Illumina Laboratory Services, Illumina).